The following is an entry in ClinVar:

NM_000918.4(P4HB):c.130C>T (p.Leu44=)

Gene: P4HB (prolyl 4-hydroxylase subunit beta; minus strand). Cytogenetic location: 17q25.3.
Variant type: single nucleotide variant.
Coding change: c.130C>T on transcript NM_000918.4 (MANE Select); coding-DNA position 130, C replaced by T.
Protein change: p.Leu44=; no amino-acid change (leucine 44 retained).
Molecular consequence: synonymous variant.
Genome position (GRCh38, 1-based): chr17:81,860,342, G>A on the plus strand (C>T on the coding strand, the complement: P4HB is on the minus strand). VCF-style: chr17-81860342-G-A. GRCh37 (hg19) VCF-style: chr17-79818218-G-A.
Identifiers: ClinVar variation 4540311 (VCV004540311.1).

ClinVar aggregate classification (germline): Uncertain significance (1 of 4 stars; one submission).

Submission:

GeneDx
Classification: Uncertain significance. Last evaluated: 2025-06-27. Review status: criteria provided, single submitter. Criteria: GeneDx Variant Classification Process June 2021. Collection method: clinical testing. Allele origin: germline. Affected: yes.
Comment: Not observed at significant frequency in large population cohorts (gnomAD); Has not been previously published as pathogenic or benign to our knowledge; In silico analysis suggests this variant may impact gene splicing. In the absence of RNA/functional studies, the actual effect of this sequence change is unknown.